The following is an entry in ClinVar:

ClinVar aggregate classification (germline): Uncertain significance (1 of 4 stars; one submission).

gnomAD v4.1: 1 of 1,614,180 alleles (0.000062%); highest among the groups gnomAD compares: Non-Finnish European, 0.000085%; no homozygotes.

Submission:

GeneDx
Classification: Uncertain significance. Last evaluated: 2019-04-11. Review status: criteria provided, single submitter. Criteria: GeneDx Variant Classification Process June 2021. Collection method: clinical testing. Allele origin: germline. Affected: yes.
Comment: The majority of missense variants in this gene are considered pathogenic (Stenson et al., 2014); In silico analysis, which includes protein predictors and evolutionary conservation, supports a deleterious effect; Not observed in large population cohorts (Lek et al., 2016); Has not been previously published as pathogenic or benign to our knowledge

NM_006086.4(TUBB3):c.952C>T (p.Arg318Trp)

Gene: TUBB3 (tubulin beta 3 class III; plus strand). Cytogenetic location: 16q24.3.
Variant type: single nucleotide variant.
Coding change: c.952C>T on transcript NM_006086.4 (MANE Select); coding-DNA position 952, C replaced by T.
Protein change: p.Arg318Trp; replaces arginine 318 with tryptophan.
Molecular consequence: missense variant.
Genome position (GRCh38, 1-based): chr16:89,935,403, C>T. VCF-style: chr16-89935403-C-T. GRCh37 (hg19) VCF-style: chr16-90001811-C-T.
Other names: c.736C>T, p.Arg246Trp (NM_001197181.2); short protein forms R246W, R318W.
Identifiers: ClinVar variation 1308573 (VCV001308573.2), dbSNP rs183017345, ClinGen allele CA8256190.
Genomic context (GRCh38, chr16:89,935,403, plus strand): 5'-AACATGATGGCCGCCTGCGACCCGCGCCACGGCCGCTACCTGACGGTGGCCACCGTGTTC[C>T]GGGGCCGCATGTCCATGAAGGAGGTGGACGAGCAGATGCTGGCCATCCAGAGCAAGAACA-3'
Protein context (NP_006077.2, residues 308-328): GRYLTVATVF[Arg318Trp]GRMSMKEVDE